The following is an entry in ClinVar:

ClinVar aggregate classification (germline): Uncertain significance (1 of 4 stars; one submission).

Conditions:
Epileptic encephalopathy. Identifiers: MedGen C0543888, HP:0200134.

Allele frequency attached by ClinVar (database versions not stated): gnomAD 0.00001 and 0.00002; TOPMed 0.00002; gnomAD exomes 0.00004; 1000 Genomes Project 30x 0.00031; 1000 Genomes Project 0.00040.
gnomAD v4.1: 63 of 1,613,986 alleles (0.0039%); highest among the groups gnomAD compares: East Asian, 0.12%; no homozygotes.

Submission:

Labcorp Genetics (formerly Invitae), Labcorp
Classification: Uncertain significance for Epileptic encephalopathy. Last evaluated: 2022-08-01. Review status: criteria provided, single submitter. Criteria: Invitae Variant Classification Sherloc (09022015). Collection method: clinical testing. Allele origin: germline.
Comment: Algorithms developed to predict the effect of missense changes on protein structure and function are either unavailable or do not agree on the potential impact of this missense change (SIFT: "Deleterious"; PolyPhen-2: "Benign"; Align-GVGD: "Class C0"). In summary, the available evidence is currently insufficient to determine the role of this variant in disease. Therefore, it has been classified as a Variant of Uncertain Significance. ClinVar contains an entry for this variant (Variation ID: 567181). This variant has not been reported in the literature in individuals affected with RYR3-related conditions. This variant is present in population databases (rs201420241, gnomAD 0.02%). This sequence change replaces aspartic acid, which is acidic and polar, with asparagine, which is neutral and polar, at codon 4106 of the RYR3 protein (p.Asp4106Asn).

NM_001036.6(RYR3):c.12316G>A (p.Asp4106Asn)

Gene: RYR3 (ryanodine receptor 3; plus strand). Cytogenetic location: 15q14.
Variant type: single nucleotide variant.
Coding change: c.12316G>A on transcript NM_001036.6 (MANE Select); coding-DNA position 12316, G replaced by A.
Protein change: p.Asp4106Asn; replaces aspartic acid 4106 with asparagine.
Molecular consequence: missense variant.
Genome position (GRCh38, 1-based): chr15:33,838,296, G>A. VCF-style: chr15-33838296-G-A. GRCh37 (hg19) VCF-style: chr15-34130497-G-A.
Other names: c.12301G>A, p.Asp4101Asn (NM_001243996.4); short protein forms D4106N, D4101N.
Identifiers: ClinVar variation 567181 (VCV000567181.8), dbSNP rs201420241, ClinGen allele CA7461381.